The following is an entry in ClinVar:

ClinVar aggregate classification (germline): Uncertain significance (1 of 4 stars; one submission).

Submission:

Labcorp Genetics (formerly Invitae), Labcorp
Classification: Uncertain significance. Last evaluated: 2025-05-22. Review status: criteria provided, single submitter. Criteria: Invitae Variant Classification Sherloc (09022015). Collection method: clinical testing. Allele origin: germline.
Comment: This variant, c.3842_3865dup, results in the insertion of 8 amino acid(s) of the BRD4 protein (p.Arg1281_Gln1288dup), but otherwise preserves the integrity of the reading frame. The frequency data for this variant in the population databases is considered unreliable, as metrics indicate poor data quality at this position in the gnomAD database. This variant has not been reported in the literature in individuals affected with BRD4-related conditions. Experimental studies and prediction algorithms are not available or were not evaluated, and the functional significance of this variant is currently unknown. In summary, the available evidence is currently insufficient to determine the role of this variant in disease. Therefore, it has been classified as a Variant of Uncertain Significance.

NM_001379291.1(BRD4):c.3842_3865dup (p.Gln1288_Gln1289insArgArgGlnGluGlnGlnGlnGln)

Gene: BRD4 (bromodomain containing 4; minus strand). Cytogenetic location: 19p13.12.
Variant type: Duplication.
Coding change: c.3842_3865dup on transcript NM_001379291.1 (MANE Select); coding-DNA positions 3842 to 3865, 24 bases duplicated (GGCGCCAGGAGCAGCAGCAGCAGC).
Protein change: p.Gln1288_Gln1289insArgArgGlnGluGlnGlnGlnGln.
Genome position (GRCh38, 1-based): chr19:15,238,898-15,238,921, GCTGCTGCTGCTGCTCCTGGCGCC duplicated on the plus strand (GGCGCCAGGAGCAGCAGCAGCAGC on the coding strand, the reverse complement: BRD4 is on the minus strand); duplicating any 24 consecutive bases within chr19:15,238,898-15,238,922 gives the same sequence; the c. name uses the placement nearest the transcript's 3' end. VCF-style (leftmost placement, unchanged base first): chr19-15238897-T-TGCTGCTGCTGCTGCTCCTGGCGCC. GRCh37 (hg19) VCF-style: chr19-15349708-T-TGCTGCTGCTGCTGCTCCTGGCGCC.
Other names: c.3842_3865dup, p.Gln1288_Gln1289insArgArgGlnGluGlnGlnGlnGln (NM_058243.3).
Identifiers: ClinVar variation 4765652 (VCV004765652.1).